The following is an entry in ClinVar:

NM_024753.5(TTC21B):c.1973T>G (p.Ile658Ser)

Gene: TTC21B (tetratricopeptide repeat domain 21B; minus strand). Cytogenetic location: 2q24.3.
Variant type: single nucleotide variant.
Coding change: c.1973T>G on transcript NM_024753.5 (MANE Select); coding-DNA position 1973, T replaced by G.
Protein change: p.Ile658Ser; replaces isoleucine 658 with serine.
Molecular consequence: missense variant.
Genome position (GRCh38, 1-based): chr2:165,915,366, A>C on the plus strand (T>G on the coding strand, the complement: TTC21B is on the minus strand). VCF-style: chr2-165915366-A-C. GRCh37 (hg19) VCF-style: chr2-166771876-A-C.
Other names: short protein forms I658S.
Identifiers: ClinVar variation 3392877 (VCV003392877.1).

ClinVar aggregate classification (germline): Uncertain significance (1 of 4 stars; one submission).

Submission:

GeneDx
Classification: Uncertain significance. Last evaluated: 2024-06-27. Review status: criteria provided, single submitter. Criteria: GeneDx Variant Classification Process June 2021. Collection method: clinical testing. Allele origin: germline. Affected: yes.
Comment: Not observed at significant frequency in large population cohorts (gnomAD); In silico analysis supports that this missense variant has a deleterious effect on protein structure/function; Has not been previously published as pathogenic or benign to our knowledge